The following is an entry in ClinVar:

NM_003467.3(CXCR4):c.303C>A (p.Asn101Lys)

Gene: CXCR4 (C-X-C motif chemokine receptor 4; minus strand). Cytogenetic location: 2q22.1.
Variant type: single nucleotide variant.
Coding change: c.303C>A on transcript NM_003467.3 (MANE Select); coding-DNA position 303, C replaced by A.
Protein change: p.Asn101Lys; replaces asparagine 101 with lysine.
Molecular consequence: missense variant.
Genome position (GRCh38, 1-based): chr2:136,115,625, G>T on the plus strand (C>A on the coding strand, the complement: CXCR4 is on the minus strand). VCF-style: chr2-136115625-G-T. GRCh37 (hg19) VCF-style: chr2-136873195-G-T.
Other names: c.315C>A, p.Asn105Lys (NM_001008540.2); c.516C>A, p.Asn172Lys (NM_001348056.2); c.402C>A, p.Asn134Lys (NM_001348059.2); c.258C>A, p.Asn86Lys (NM_001348060.2); short protein forms N105K, N172K, N101K, N86K, N134K.
Identifiers: ClinVar variation 4712973 (VCV004712973.1).

ClinVar aggregate classification (germline): Uncertain significance (1 of 4 stars; one submission).

Conditions:
Warts, hypogammaglobulinemia, infections, and myelokathexis. Also called: WHIM syndrome. Identifiers: MedGen C0472817, MONDO:0023880.

Submission:

Labcorp Genetics (formerly Invitae), Labcorp
Classification: Uncertain significance for Warts, hypogammaglobulinemia, infections, and myelokathexis. Last evaluated: 2025-02-13. Review status: criteria provided, single submitter. Criteria: Invitae Variant Classification Sherloc (09022015). Collection method: clinical testing. Allele origin: germline.
Comment: This sequence change replaces asparagine, which is neutral and polar, with lysine, which is basic and polar, at codon 101 of the CXCR4 protein (p.Asn101Lys). This variant is not present in population databases (gnomAD no frequency). This variant has not been reported in the literature in individuals affected with CXCR4-related conditions. An algorithm developed to predict the effect of missense changes on protein structure and function (PolyPhen-2) suggests that this variant is likely to be tolerated. In summary, the available evidence is currently insufficient to determine the role of this variant in disease. Therefore, it has been classified as a Variant of Uncertain Significance.